The following is an entry in ClinVar:

ClinVar aggregate classification (germline): Pathogenic (1 of 4 stars; one submission).

Conditions:
Exostoses, multiple, type 2 (EXT2). Also called: Hereditary Multiple Osteochondromatosis, Type II; EXOSTOSES, MULTIPLE, TYPE II. Identifiers: Orphanet 321, MedGen C1851413, MONDO:0007586, OMIM 133701.

Submission:

Labcorp Genetics (formerly Invitae), Labcorp
Classification: Pathogenic for Exostoses, multiple, type 2. Last evaluated: 2019-10-09. Review status: criteria provided, single submitter. Criteria: Invitae Variant Classification Sherloc (09022015). Collection method: clinical testing. Allele origin: germline.
Comment: This variant is an out-of-frame deletion of the genomic region encompassing exons 8-9 of the EXT2 gene. This is expected to create a premature translational stop signal and result in an absent or disrupted protein product. This deletion has not been reported in the literature in individuals with EXT2-related disease. Loss-of-function variants in EXT2 are known to be pathogenic (PMID: 19810120). For these reasons, this variant has been classified as Pathogenic.

Literature cited by the submitters: PubMed 19810120.

NC_000011.10:g.(?_44144227)_(44198038_?)del

Genes: EXT2 (exostosin glycosyltransferase 2; plus strand), LOC126861201 (MED14-independent group 3 enhancer GRCh37_chr11:44218806-44220005; plus strand). Cytogenetic location: 11p11.2.
Variant type: Deletion.
Identifiers: ClinVar variation 534141 (VCV000534141.8).